The following is an entry in ClinVar:

NM_020911.2(PLXNA4):c.3115G>A (p.Asp1039Asn)

Gene: PLXNA4 (plexin A4; minus strand). Cytogenetic location: 7q32.3.
Variant type: single nucleotide variant.
Coding change: c.3115G>A on transcript NM_020911.2 (MANE Select); coding-DNA position 3115, G replaced by A.
Protein change: p.Asp1039Asn; replaces aspartic acid 1039 with asparagine.
Molecular consequence: missense variant.
Genome position (GRCh38, 1-based): chr7:132,185,342, C>T on the plus strand (G>A on the coding strand, the complement: PLXNA4 is on the minus strand). VCF-style: chr7-132185342-C-T. GRCh37 (hg19) VCF-style: chr7-131870101-C-T.
Other names: c.3115G>A, p.Asp1039Asn (NM_001393897.1); short protein forms D1039N.
Identifiers: ClinVar variation 4998685 (VCV004998685.1).

ClinVar aggregate classification (germline): Uncertain significance (1 of 4 stars; one submission).

Conditions:
PLXNA4-related disorder. Also called: PLXNA4-related condition.

Submission:

PreventionGenetics, part of Exact Sciences
Classification: Uncertain significance for PLXNA4-related condition. Last evaluated: 2026-04-08. Review status: criteria provided, single submitter. Criteria: ACMG Guidelines, 2015. Collection method: clinical testing. Allele origin: germline.
Comment: The PLXNA4 c.3115G>A variant is predicted to result in the amino acid substitution p.Asp1039Asn. To our knowledge, this variant has not been reported in the literature or in a large population database (gnomAD), indicating this variant is rare. At this time, the clinical significance of this variant is uncertain due to the absence of conclusive functional and genetic evidence.